The following is an entry in ClinVar:

ClinVar aggregate classification (germline): Likely pathogenic (1 of 4 stars; one submission).

Conditions:
Dilated cardiomyopathy 1G (CMD1G). Identifiers: Orphanet 154, MedGen C1858763, MONDO:0011400, OMIM 604145.
Autosomal recessive limb-girdle muscular dystrophy type 2J (LGMDR10). Also called: Limb-girdle muscular dystrophy, type 2J; MUSCULAR DYSTROPHY, LIMB-GIRDLE, AUTOSOMAL RECESSIVE 10. Identifiers: Orphanet 140922, MedGen C1837342, MONDO:0012127, OMIM 608807.

Allele frequency attached by ClinVar (database versions not stated): gnomAD exomes below 0.00001.
gnomAD v4.1: 1 of 1,612,948 alleles (0.000062%); highest among the groups gnomAD compares: South Asian, 0.0011%; no homozygotes.

Submission:

Labcorp Genetics (formerly Invitae), Labcorp
Classification: Likely pathogenic for Dilated cardiomyopathy 1G; Autosomal recessive limb-girdle muscular dystrophy type 2J. Last evaluated: 2023-06-23. Review status: criteria provided, single submitter. Criteria: Invitae Variant Classification Sherloc (09022015). Collection method: clinical testing. Allele origin: germline.
Comment: The frequency data for this variant in the population databases is considered unreliable, as metrics indicate poor data quality at this position in the gnomAD database. This variant has not been reported in the literature in individuals affected with TTN-related conditions. ClinVar contains an entry for this variant (Variation ID: 955297). This variant is located in the A band of TTN (PMID: 25589632). Truncating variants in this region are significantly overrepresented in patients affected with dilated cardiomyopathy (PMID: 25589632). Truncating variants in this region have also been reported in individuals affected with autosomal recessive centronuclear myopathy (PMID: 23975875). In summary, the currently available evidence indicates that the variant is pathogenic, but additional data are needed to prove that conclusively. Therefore, this variant has been classified as Likely Pathogenic. This sequence change creates a premature translational stop signal (p.Trp22003*) in the TTN gene. While this is not anticipated to result in nonsense mediated decay, it is expected to create a truncated TTN protein.

Literature cited by the submitters: PubMed 25589632; PubMed 23975875.

NM_001267550.2(TTN):c.66008G>A (p.Trp22003Ter)

Genes: TTN-AS1 (TTN antisense RNA 1; plus strand), TTN (titin; minus strand). Cytogenetic location: 2q31.2.
Variant type: single nucleotide variant.
Coding change: c.66008G>A on transcript NM_001267550.2 (MANE Select); coding-DNA position 66008, G replaced by A.
Protein change: p.Trp22003Ter; replaces tryptophan 22003 with a stop codon.
Molecular consequence: nonsense.
Genome position (GRCh38, 1-based): chr2:178,582,448, C>T on the plus strand (G>A on the coding strand, the complement: TTN is on the minus strand). VCF-style: chr2-178582448-C-T. GRCh37 (hg19) VCF-style: chr2-179447175-C-T.
Other names: c.61085G>A, p.Trp20362Ter (NM_001256850.1); c.38813G>A, p.Trp12938Ter (NM_003319.4); c.58304G>A, p.Trp19435Ter (NM_133378.4); c.39188G>A, p.Trp13063Ter (NM_133432.3); c.39389G>A, p.Trp13130Ter (NM_133437.4); short protein forms W13130*, W12938*, W13063*, W19435*, W20362*, W22003*.
Identifiers: ClinVar variation 955297 (VCV000955297.10), dbSNP rs1229556495, ClinGen allele CA349430085.